The following is an entry in ClinVar:

NM_003742.4(ABCB11):c.2814+15C>T

Genes: ABCB11 (ATP binding cassette subfamily B member 11; minus strand), LOC126806400 (CDK7 strongly-dependent group 2 enhancer GRCh37_chr2:169791870-169793069; plus strand). Cytogenetic location: 2q31.1.
Variant type: single nucleotide variant.
Coding change: c.2814+15C>T on transcript NM_003742.4 (MANE Select); 15 bases into the intron after coding-DNA position 2814, C replaced by T.
Molecular consequence: intron variant.
Genome position (GRCh38, 1-based): chr2:168,936,215, G>A on the plus strand (C>T on the coding strand, the complement: ABCB11 is on the minus strand). VCF-style: chr2-168936215-G-A. GRCh37 (hg19) VCF-style: chr2-169792725-G-A.
Other names: c.2814+15C>T (LRG_1199t1).
Identifiers: ClinVar variation 515010 (VCV000515010.5), dbSNP rs760549292, ClinGen allele CA1951186.

ClinVar aggregate classification (germline): Likely benign. Review status: criteria provided, multiple submitters, no conflicts (2 of 4 stars). 3 submissions from 3 submitters: Likely benign (3). Last evaluated 2025-12-07.

Allele frequency attached by ClinVar (database versions not stated): gnomAD 0.00001; ExAC 0.00002; TOPMed 0.00002; gnomAD exomes 0.00003.
gnomAD v4.1: 19 of 1,609,660 alleles (0.0012%); highest among the groups gnomAD compares: East Asian, 0.022%; no homozygotes.

Submissions (3):

Labcorp Genetics (formerly Invitae), Labcorp
Classification: Likely benign. Last evaluated: 2025-12-07. Review status: criteria provided, single submitter. Criteria: Invitae Variant Classification Sherloc (09022015). Collection method: clinical testing. Allele origin: germline.

Blueprint Genetics
Classification: Likely benign. Last evaluated: 2024-04-26. Review status: criteria provided, single submitter. Criteria: ACMG Guidelines, 2015. Collection method: clinical testing. Allele origin: germline.

GeneDx
Classification: Likely benign. Last evaluated: 2018-02-15. Review status: criteria provided, single submitter. Criteria: GeneDx Variant Classification (06012015). Collection method: clinical testing. Allele origin: germline. Affected: yes.
Comment: This variant is considered likely benign or benign based on one or more of the following criteria: it is a conservative change, it occurs at a poorly conserved position in the protein, it is predicted to be benign by multiple in silico algorithms, and/or has population frequency not consistent with disease.